The following is an entry in ClinVar:

ClinVar aggregate classification (germline): Conflicting classifications of pathogenicity. Review status: criteria provided, conflicting classifications (1 of 4 stars). 3 submissions from 3 submitters: Likely pathogenic (1); Uncertain significance (2). Last evaluated 2024-01-08.

Conditions:
Timothy syndrome (TS). Also called: LONG QT SYNDROME WITH SYNDACTYLY. Identifiers: Orphanet 65283, MedGen C1832916, MeSH C536962, MONDO:0010979, OMIM 601005.
Long QT syndrome (LQTS). Identifiers: MedGen C0023976, MeSH D008133, MONDO:0002442. Disease mechanism: loss of function. Inheritance: Various modes of inheritance.

Submissions (3):

Dept of Medical Biology, Uskudar University
Classification: Likely pathogenic for Timothy syndrome. Last evaluated: 2024-01-08. Review status: criteria provided, single submitter. Criteria: Dept of Medical Biology Variant Classification. Collection method: research. Allele origin: de novo. Affected: yes. Observed: 1 variant allele.
Comment: Criteria: PS2_Moderate, PM2, PP2, PP3

Labcorp Genetics (formerly Invitae), Labcorp
Classification: Uncertain significance for Long QT syndrome. Last evaluated: 2021-06-21. Review status: criteria provided, single submitter. Criteria: Invitae Variant Classification Sherloc (09022015). Collection method: clinical testing. Allele origin: germline.
Comment: In summary, the available evidence is currently insufficient to determine the role of this variant in disease. Therefore, it has been classified as a Variant of Uncertain Significance. This variant disrupts the p.Cys1021 amino acid residue in CACNA1C. Other variant(s) that disrupt this residue have been observed in individuals with CACNA1C-related conditions (PMID: 32161207), which suggests that this may be a clinically significant amino acid residue. Algorithms developed to predict the effect of missense changes on protein structure and function are either unavailable or do not agree on the potential impact of this missense change (SIFT: "Deleterious"; PolyPhen-2: "Possibly Damaging"; Align-GVGD: "Class C0"). This variant has been observed in individual(s) with long QT syndrome (Invitae). This variant is not present in population databases (ExAC no frequency). This sequence change replaces cysteine with arginine at codon 1021 of the CACNA1C protein (p.Cys1021Arg). The cysteine residue is highly conserved and there is a large physicochemical difference between cysteine and arginine.

GeneDx
Classification: Uncertain significance. Last evaluated: 2020-09-25. Review status: criteria provided, single submitter. Criteria: GeneDx Variant Classification Process June 2021. Collection method: clinical testing. Allele origin: germline. Affected: yes.
Comment: Not observed in large population cohorts (Lek et al., 2016); In silico analysis supports that this missense variant has a deleterious effect on protein structure/function

Literature cited by the submitters: PubMed 32161207 (cited by Labcorp Genetics (formerly Invitae), Labcorp).

NM_000719.7(CACNA1C):c.3061T>C (p.Cys1021Arg)

Gene: CACNA1C (calcium voltage-gated channel subunit alpha1 C; plus strand). Cytogenetic location: 12p13.33.
Variant type: single nucleotide variant.
Coding change: c.3061T>C on transcript NM_000719.7 (MANE Select); coding-DNA position 3061, T replaced by C.
Protein change: p.Cys1021Arg; replaces cysteine 1021 with arginine.
Molecular consequence: missense variant.
Genome position (GRCh38, 1-based): chr12:2,605,691, T>C. VCF-style: chr12-2605691-T-C. GRCh37 (hg19) VCF-style: chr12-2714857-T-C.
Other names: c.3061T>C, p.Cys1021Arg (NM_001167625.2, NM_001129829.2, NM_001129830.3 and 15 more transcripts); c.3121T>C, p.Cys1041Arg (NM_199460.4, NM_001129827.2, NM_001129832.2); c.3052T>C, p.Cys1018Arg (NM_001129844.2); short protein forms C1018R, C1021R, C1041R.
Identifiers: ClinVar variation 1197616 (VCV001197616.13), dbSNP rs1057518301, ClinGen allele CA383374104.